The following is an entry in ClinVar:

ClinVar aggregate classification (germline): Likely benign. Review status: criteria provided, multiple submitters, no conflicts (2 of 4 stars). 6 submissions from 6 submitters: Likely benign (6). Last evaluated 2025-12-01.

Conditions:
Loeys-Dietz syndrome 4 (LDS4). Also called: ANEURYSM, AORTIC AND CEREBRAL, WITH ARTERIAL TORTUOSITY AND SKELETAL MANIFESTATIONS; TGFB2-Related Loeys-Dietz Syndrome. Identifiers: MedGen C3553762, MONDO:0013897, OMIM 614816.
Familial thoracic aortic aneurysm and aortic dissection (TAAD). Also called: Thoracic aortic aneurysms and dissections. Identifiers: Orphanet 91387, MedGen C4707243, MONDO:0019625.

Allele frequency attached by ClinVar (database versions not stated): ExAC 0.00002; gnomAD exomes 0.00002; TOPMed 0.00002; ESP Exome Variant Server 0.00008.
gnomAD v4.1: 34 of 1,613,818 alleles (0.0021%); highest among the groups gnomAD compares: Middle Eastern, 0.016%; no homozygotes.

Submissions (6):

Labcorp Genetics (formerly Invitae), Labcorp
Classification: Likely benign for Loeys-Dietz syndrome 4. Last evaluated: 2025-12-01. Review status: criteria provided, single submitter. Criteria: Invitae Variant Classification Sherloc (09022015). Collection method: clinical testing. Allele origin: germline.

Blueprint Genetics
Classification: Likely benign. Last evaluated: 2023-10-09. Review status: criteria provided, single submitter. Criteria: ACMG Guidelines, 2015. Collection method: clinical testing. Allele origin: germline.

ARUP Laboratories, Molecular Genetics and Genomics, ARUP Laboratories
Classification: Likely benign for Loeys-Dietz syndrome 4. Last evaluated: 2023-09-28. Review status: criteria provided, single submitter. Criteria: ARUP Molecular Germline Variant Investigation Process 2024. Collection method: clinical testing. Allele origin: germline.

GeneDx
Classification: Likely benign. Last evaluated: 2021-03-22. Review status: criteria provided, single submitter. Criteria: GeneDx Variant Classification Process June 2021. Collection method: clinical testing. Allele origin: germline. Affected: yes.

Ambry Genetics
Classification: Likely benign for Familial thoracic aortic aneurysm and aortic dissection. Last evaluated: 2021-02-13. Review status: criteria provided, single submitter. Criteria: Ambry Variant Classification Scheme 2023. Collection method: clinical testing. Allele origin: germline.

Illumina Laboratory Services, Illumina
Classification: Likely benign for Loeys-Dietz syndrome 4. Last evaluated: 2018-01-12. Review status: criteria provided, single submitter. Criteria: ICSL Variant Classification Criteria 13 December 2019. Collection method: clinical testing. Allele origin: germline.
Comment: This variant was observed in the ICSL laboratory as part of a predisposition screen in an ostensibly healthy population. It had not been previously curated by ICSL or reported in the Human Gene Mutation Database (HGMD: prior to June 1st, 2018), and was therefore a candidate for classification through an automated scoring system. Utilizing variant allele frequency, disease prevalence and penetrance estimates, and inheritance mode, an automated score was calculated to assess if this variant is too frequent to cause the disease. Based on the score and internal cut-off values, a variant classified as likely benign is not then subjected to further curation. The score for this variant resulted in a classification of likely benign for this disease.

NM_003238.6(TGFB2):c.798T>A (p.Thr266=)

Gene: TGFB2 (transforming growth factor beta 2; plus strand). Cytogenetic location: 1q41.
Variant type: single nucleotide variant.
Coding change: c.798T>A on transcript NM_003238.6 (MANE Select); coding-DNA position 798, T replaced by A.
Protein change: p.Thr266=; no amino-acid change (threonine 266 retained).
Molecular consequence: synonymous variant.
Genome position (GRCh38, 1-based): chr1:218,436,013, T>A. VCF-style: chr1-218436013-T-A. GRCh37 (hg19) VCF-style: chr1-218609355-T-A.
Other names: c.882T>A, p.Thr294= (NM_001135599.4).
Identifiers: ClinVar variation 295492 (VCV000295492.21), dbSNP rs376354795, ClinGen allele CA1398611.